The following is an entry in ClinVar:

ClinVar aggregate classification (germline): Uncertain significance (1 of 4 stars; one submission).

Allele frequency attached by ClinVar (database versions not stated): gnomAD 0.00001; gnomAD exomes 0.00001; TOPMed 0.00002.
gnomAD v4.1: 18 of 1,607,260 alleles (0.0011%); highest among the groups gnomAD compares: Non-Finnish European, 0.0014%; no homozygotes.

Submission:

Ambry Genetics
Classification: Uncertain significance. Last evaluated: 2022-12-01. Review status: criteria provided, single submitter. Criteria: Ambry Variant Classification Scheme 2023. Collection method: clinical testing. Allele origin: germline.
Comment: The p.V2431A variant (also known as c.7292T>C), located in coding exon 27 of the POLQ gene, results from a T to C substitution at nucleotide position 7292. The valine at codon 2431 is replaced by alanine, an amino acid with similar properties. This amino acid position is conserved. In addition, this alteration is predicted to be deleterious by in silico analysis. Since supporting evidence is limited at this time, the clinical significance of this alteration remains unclear.

NM_199420.4(POLQ):c.7292T>C (p.Val2431Ala)

Gene: POLQ (DNA polymerase theta; minus strand). Cytogenetic location: 3q13.33.
Variant type: single nucleotide variant.
Coding change: c.7292T>C on transcript NM_199420.4 (MANE Select); coding-DNA position 7292, T replaced by C.
Protein change: p.Val2431Ala; replaces valine 2431 with alanine.
Molecular consequence: missense variant.
Genome position (GRCh38, 1-based): chr3:121,440,089, A>G on the plus strand (T>C on the coding strand, the complement: POLQ is on the minus strand). VCF-style: chr3-121440089-A-G. GRCh37 (hg19) VCF-style: chr3-121158936-A-G.
Other names: short protein forms V2431A.
Identifiers: ClinVar variation 2497175 (VCV002497175.2), dbSNP rs1318750210, ClinGen allele CA354098783.